The following is an entry in ClinVar:

ClinVar aggregate classification (germline): Uncertain significance (1 of 4 stars; one submission).

Submission:

CeGaT Center for Human Genetics Tuebingen
Classification: Uncertain significance. Last evaluated: 2024-06-01. Review status: criteria provided, single submitter. Criteria: CeGaT Center For Human Genetics Tuebingen Variant Classification Criteria Version 2. Collection method: clinical testing. Allele origin: germline. Affected: yes. Observed: 1 variant allele.
Comment: TCEAL1: PM2, PS2:Moderate

NM_004780.3(TCEAL1):c.427A>C (p.Lys143Gln)

Gene: TCEAL1 (transcription elongation factor A like 1; plus strand). Cytogenetic location: Xq22.2.
Variant type: single nucleotide variant.
Coding change: c.427A>C on transcript NM_004780.3 (MANE Select); coding-DNA position 427, A replaced by C.
Protein change: p.Lys143Gln; replaces lysine 143 with glutamine.
Molecular consequence: missense variant.
Genome position (GRCh38, 1-based): chrX:103,630,343, A>C. VCF-style: chrX-103630343-A-C. GRCh37 (hg19) VCF-style: chrX-102885271-A-C.
Other names: c.427A>C, p.Lys143Gln (NM_001006639.2, NM_001006640.2); short protein forms K143Q.
Identifiers: ClinVar variation 3239584 (VCV003239584.19), dbSNP rs2521931451.